The following is an entry in ClinVar:

NM_007186.6(CEP250):c.3967G>A (p.Ala1323Thr)

Gene: CEP250 (centrosomal protein 250; plus strand). Cytogenetic location: 20q11.22.
Variant type: single nucleotide variant.
Coding change: c.3967G>A on transcript NM_007186.6 (MANE Select); coding-DNA position 3967, G replaced by A.
Protein change: p.Ala1323Thr; replaces alanine 1323 with threonine.
Molecular consequence: missense variant.
Genome position (GRCh38, 1-based): chr20:35,501,913, G>A. VCF-style: chr20-35501913-G-A. GRCh37 (hg19) VCF-style: chr20-34089740-G-A.
Other names: c.2071G>A, p.Ala691Thr (NM_001318219.1); short protein forms A1323T, A691T.
Identifiers: ClinVar variation 1166720 (VCV001166720.36), dbSNP rs114063154, ClinGen allele CA9833617.

ClinVar aggregate classification (germline): Benign. Review status: criteria provided, multiple submitters, no conflicts (2 of 4 stars). 5 submissions from 5 submitters: Benign (3). 2 of the submissions do not count toward it. Last evaluated 2026-04-01.

Allele frequency attached by ClinVar (database versions not stated): 1000 Genomes Project 0.00519; 1000 Genomes Project 30x 0.00547; TOPMed 0.00793; gnomAD 0.00969 and 0.01012; ESP Exome Variant Server 0.01000.
gnomAD v4.1: 18,702 of 1,613,612 alleles (1.2%); highest among the groups gnomAD compares: Non-Finnish European, 1.3%; 130 homozygotes.

Submissions (5):

CeGaT Center for Human Genetics Tuebingen
Classification: Benign. Last evaluated: 2026-04-01. Review status: criteria provided, single submitter. Criteria: CeGaT Center For Human Genetics Tuebingen Variant Classification Criteria Version 2. Collection method: clinical testing. Allele origin: germline. Affected: yes. Observed: 7 variant alleles.
Comment: CEP250: BP4, BS1, BS2

Labcorp Genetics (formerly Invitae), Labcorp
Classification: Benign. Last evaluated: 2026-01-27. Review status: criteria provided, single submitter. Criteria: Invitae Variant Classification Sherloc (09022015). Collection method: clinical testing. Allele origin: germline.

Breakthrough Genomics
Classification: Benign. Review status: criteria provided, single submitter. Criteria: ACMG Guidelines, 2015. Collection method: not provided. Allele origin: germline. Inheritance: Autosomal recessive inheritance. Affected: yes.

Clinical Genetics DNA and cytogenetics Diagnostics Lab, Erasmus MC, Erasmus Medical Center
Classification: Likely benign. Review status: no assertion criteria provided. Collection method: clinical testing. Allele origin: germline. Affected: yes. Study: VKGL Data-share Consensus. Not counted in ClinVar's aggregate classification.

Clinical Genetics, Academic Medical Center
Classification: Benign. Review status: no assertion criteria provided. Collection method: clinical testing. Allele origin: germline. Affected: yes. Study: VKGL Data-share Consensus. Not counted in ClinVar's aggregate classification.